The following is an entry in ClinVar:

NM_001113378.2(FANCI):c.1442T>G (p.Val481Gly)

Gene: FANCI (FA complementation group I; plus strand). Cytogenetic location: 15q26.1.
Variant type: single nucleotide variant.
Coding change: c.1442T>G on transcript NM_001113378.2 (MANE Select); coding-DNA position 1442, T replaced by G.
Protein change: p.Val481Gly; replaces valine 481 with glycine.
Molecular consequence: missense variant.
Genome position (GRCh38, 1-based): chr15:89,281,230, T>G. VCF-style: chr15-89281230-T-G. GRCh37 (hg19) VCF-style: chr15-89824461-T-G.
Other names: c.1163T>G, p.Val388Gly (NM_001376910.1); c.1442T>G, p.Val481Gly (NM_001376911.1, NM_018193.3); short protein forms V388G, V481G.
Identifiers: ClinVar variation 1319330 (VCV001319330.9), dbSNP rs775192850, ClinGen allele CA7723027.

ClinVar aggregate classification (germline): Uncertain significance. Review status: criteria provided, multiple submitters, no conflicts (2 of 4 stars). 2 submissions from 2 submitters: Uncertain significance (2). Last evaluated 2024-12-26.

Conditions:
Fanconi anemia (FA). Also called: Fanconi's anemia. Identifiers: Orphanet 84, MedGen C0015625, MeSH D005199, MONDO:0019391.

Allele frequency attached by ClinVar (database versions not stated): gnomAD 0.00001; gnomAD exomes 0.00001 and 0.00002; TOPMed 0.00001; ExAC 0.00002.
gnomAD v4.1: 16 of 1,613,858 alleles (0.00099%); highest among the groups gnomAD compares: Non-Finnish European, 0.0013%; no homozygotes.

Submissions (2):

Labcorp Genetics (formerly Invitae), Labcorp
Classification: Uncertain significance for Fanconi anemia. Last evaluated: 2024-12-26. Review status: criteria provided, single submitter. Criteria: Invitae Variant Classification Sherloc (09022015). Collection method: clinical testing. Allele origin: germline.
Comment: This sequence change replaces valine, which is neutral and non-polar, with glycine, which is neutral and non-polar, at codon 481 of the FANCI protein (p.Val481Gly). This variant is present in population databases (rs775192850, gnomAD 0.005%). This variant has not been reported in the literature in individuals affected with FANCI-related conditions. ClinVar contains an entry for this variant (Variation ID: 1319330). Invitae Evidence Modeling of protein sequence and biophysical properties (such as structural, functional, and spatial information, amino acid conservation, physicochemical variation, residue mobility, and thermodynamic stability) indicates that this missense variant is expected to disrupt FANCI protein function with a positive predictive value of 80%. In summary, the available evidence is currently insufficient to determine the role of this variant in disease. Therefore, it has been classified as a Variant of Uncertain Significance.

Institute for Clinical Genetics, University Hospital TU Dresden, University Hospital TU Dresden
Classification: Uncertain significance. Last evaluated: 2021-11-03. Review status: criteria provided, single submitter. Criteria: ACMG Guidelines, 2015. Collection method: clinical testing. Allele origin: germline.